The following is an entry in ClinVar:

NM_138927.4(SON):c.5931_5972del (p.1957SRTPSRR[4])

Gene: SON (SON DNA and RNA binding protein; plus strand). Cytogenetic location: 21q22.11.
Variant type: Deletion.
Coding change: c.5931_5972del on transcript NM_138927.4 (MANE Select); coding-DNA positions 5931 to 5972, 42 bases deleted.
Protein change: p.1957SRTPSRR[4].
Molecular consequence: inframe deletion. On other transcripts: inframe indel (3), non-coding transcript variant (1), intron variant (1).
Genome position (GRCh38, 1-based): chr21:33,555,162-33,555,203, 42 bases deleted; deleting any 42 consecutive bases within chr21:33,555,160-33,555,203 gives the same sequence; the c. name uses the placement nearest the transcript's 3' end. GRCh37 (hg19): chr21:34,927,468-34,927,509.
Other names: c.5931_5972del, p.1957SRTPSRR[4] (NM_001291411.2, NM_032195.3); c.5931_5972del42, p.Ser1985_Arg1998del (NM_001412133.1, NM_058183.2, NM_138926.1); c.245-1994_245-1953del (NM_001291412.3).
Identifiers: ClinVar variation 3008259 (VCV003008259.3), dbSNP rs2517394841, ClinGen allele CA2654319399.

ClinVar aggregate classification (germline): Uncertain significance (1 of 4 stars; one submission).

Submission:

Labcorp Genetics (formerly Invitae), Labcorp
Classification: Uncertain significance. Last evaluated: 2024-01-30. Review status: criteria provided, single submitter. Criteria: Invitae Variant Classification Sherloc (09022015). Collection method: clinical testing. Allele origin: germline.
Comment: This variant, c.5931_5972del, results in the deletion of 14 amino acid(s) of the SON protein (p.Ser1985_Arg1998del), but otherwise preserves the integrity of the reading frame. This variant is not present in population databases (gnomAD no frequency). This variant has not been reported in the literature in individuals affected with SON-related conditions. Experimental studies and prediction algorithms are not available or were not evaluated, and the functional significance of this variant is currently unknown. In summary, the available evidence is currently insufficient to determine the role of this variant in disease. Therefore, it has been classified as a Variant of Uncertain Significance.